The following is an entry in ClinVar:

ClinVar aggregate classification (germline): Uncertain significance (1 of 4 stars; one submission).

Conditions:
Alpha thalassemia-X-linked intellectual disability syndrome (ATRX). Also called: ALPHA-THALASSEMIA/MENTAL RETARDATION SYNDROME, X-LINKED; ATR, NONDELETION TYPE; ATR-X syndrome; Alpha thalassemia mental retardation syndrome, nondeletion type, X-linked; XLMR hypotonic face syndrome; X-linked alpha-thalassemia-mental retardation syndrome. Identifiers: Orphanet 847, MedGen C1845055, MONDO:0010519, OMIM 301040.

Submission:

Labcorp Genetics (formerly Invitae), Labcorp
Classification: Uncertain significance for Alpha thalassemia-X-linked intellectual disability syndrome. Last evaluated: 2025-12-18. Review status: criteria provided, single submitter. Criteria: Invitae Variant Classification Sherloc (09022015). Collection method: clinical testing. Allele origin: germline.
Comment: This sequence change replaces serine, which is neutral and polar, with proline, which is neutral and non-polar, at codon 814 of the ATRX protein (p.Ser814Pro). This variant is not present in population databases (gnomAD no frequency). This variant has not been reported in the literature in individuals affected with ATRX-related conditions. Invitae Evidence Modeling of protein sequence and biophysical properties (such as structural, functional, and spatial information, amino acid conservation, physicochemical variation, residue mobility, and thermodynamic stability) indicates that this missense variant is not expected to disrupt ATRX protein function with a negative predictive value of 95%. In summary, the available evidence is currently insufficient to determine the role of this variant in disease. Therefore, it has been classified as a Variant of Uncertain Significance.

NM_000489.6(ATRX):c.2440T>C (p.Ser814Pro)

Gene: ATRX (ATRX chromatin remodeler; minus strand). Cytogenetic location: Xq21.1.
Variant type: single nucleotide variant.
Coding change: c.2440T>C on transcript NM_000489.6 (MANE Select); coding-DNA position 2440, T replaced by C.
Protein change: p.Ser814Pro; replaces serine 814 with proline.
Molecular consequence: missense variant.
Genome position (GRCh38, 1-based): chrX:77,682,816, A>G on the plus strand (T>C on the coding strand, the complement: ATRX is on the minus strand). VCF-style: chrX-77682816-A-G. GRCh37 (hg19) VCF-style: chrX-76938308-A-G.
Other names: c.2326T>C, p.Ser776Pro (NM_138270.5); short protein forms S776P, S814P.
Identifiers: ClinVar variation 4801110 (VCV004801110.1).
Genomic context (GRCh38, chrX:77,682,816, plus strand): 5'-CAGCACCAATTTTACTCATGCTCTTTATCTCTTTTTCTAATTCTGAGTCATAATTAGAAG[A>G]CTCAGACTGGGTTTGTCGTTTCTTTTTAGAAATTATAGAGCTCTTAGCTGATTTGCCCTT-3'
Protein context (NP_000480.3, residues 804-824): SKKKRQTQSE[Ser814Pro]SNYDSELEKE